The following is an entry in ClinVar:

ClinVar aggregate classification (germline): Uncertain significance. Review status: criteria provided, multiple submitters, no conflicts (2 of 4 stars). 2 submissions from 2 submitters: Uncertain significance (2). Last evaluated 2025-10-29.

Conditions:
Inborn genetic diseases. Identifiers: MedGen C0950123, MeSH D030342.

Allele frequency attached by ClinVar (database versions not stated): TOPMed below 0.00001; gnomAD 0.00001.
gnomAD v4.1: 2 of 1,614,096 alleles (0.00012%); highest among the groups gnomAD compares: Admixed American, 0.0033%; no homozygotes.

Submissions (2):

Labcorp Genetics (formerly Invitae), Labcorp
Classification: Uncertain significance. Last evaluated: 2025-10-29. Review status: criteria provided, single submitter. Criteria: Invitae Variant Classification Sherloc (09022015). Collection method: clinical testing. Allele origin: germline.
Comment: This sequence change replaces proline, which is neutral and non-polar, with serine, which is neutral and polar, at codon 588 of the ADNP protein (p.Pro588Ser). This variant is not present in population databases (gnomAD no frequency). This variant has not been reported in the literature in individuals affected with ADNP-related conditions. ClinVar contains an entry for this variant (Variation ID: 2301997). An algorithm developed to predict the effect of missense changes on protein structure and function (PolyPhen-2) suggests that this variant is likely to be tolerated. In summary, the available evidence is currently insufficient to determine the role of this variant in disease. Therefore, it has been classified as a Variant of Uncertain Significance.

Ambry Genetics
Classification: Uncertain significance for Inborn genetic diseases. Last evaluated: 2022-07-19. Review status: criteria provided, single submitter. Criteria: Ambry Variant Classification Scheme 2023. Collection method: clinical testing. Allele origin: germline.
Comment: The c.1762C>T (p.P588S) alteration is located in exon 5 (coding exon 3) of the ADNP gene. This alteration results from a C to T substitution at nucleotide position 1762, causing the proline (P) at amino acid position 588 to be replaced by a serine (S). This variant was not reported in population-based cohorts in the Genome Aggregation Database (gnomAD). This amino acid position is highly conserved in available vertebrate species. This alteration is predicted to be tolerated by in silico analysis. Based on insufficient or conflicting evidence, the clinical significance of this alteration remains unclear.

NM_001282531.3(ADNP):c.1762C>T (p.Pro588Ser)

Gene: ADNP (activity dependent neuroprotector homeobox; minus strand). Cytogenetic location: 20q13.13.
Variant type: single nucleotide variant.
Coding change: c.1762C>T on transcript NM_001282531.3 (MANE Select); coding-DNA position 1762, C replaced by T.
Protein change: p.Pro588Ser; replaces proline 588 with serine.
Molecular consequence: missense variant.
Genome position (GRCh38, 1-based): chr20:50,892,952, G>A on the plus strand (C>T on the coding strand, the complement: ADNP is on the minus strand). VCF-style: chr20-50892952-G-A. GRCh37 (hg19) VCF-style: chr20-49509489-G-A.
Other names: c.1762C>T, p.Pro588Ser (NM_001282532.2, NM_001347511.2, NM_015339.5 and 1 more transcripts); short protein forms P588S.
Identifiers: ClinVar variation 2301997 (VCV002301997.3), dbSNP rs1980953775, ClinGen allele CA408972287.
Genomic context (GRCh38, chr20:50,892,952, plus strand): 5'-AACTTTTTACAGGGATATCTGCCTTTTCCTGAACCTTTGGCTGTGGCTTTGGAGGAACTG[G>A]AGGATTATTTTGGGCATGGTAAGCAACAGATTCAGCTGGGGCATCCCTCAGATTGTATGT-3'
Protein context (NP_001269460.1, residues 578-598): SVAYHAQNNP[Pro588Ser]VPPKPQPKVQ